The following is an entry in ClinVar:

ClinVar aggregate classification (germline): Likely benign (1 of 4 stars; one submission).

Allele frequency attached by ClinVar (database versions not stated): gnomAD 0.00001; TOPMed 0.00002.
gnomAD v4.1: 77 of 1,023,438 alleles (0.0075%); highest among the groups gnomAD compares: Non-Finnish European, 0.0086%; no homozygotes.

Submission:

GeneDx
Classification: Likely benign. Last evaluated: 2017-01-16. Review status: criteria provided, single submitter. Criteria: GeneDx Variant Classification (06012015). Collection method: clinical testing. Allele origin: germline. Affected: yes.
Comment: This variant is considered likely benign or benign based on one or more of the following criteria: it is a conservative change, it occurs at a poorly conserved position in the protein, it is predicted to be benign by multiple in silico algorithms, and/or has population frequency not consistent with disease.

NM_003036.4(SKI):c.-42G>A

Gene: SKI (SKI proto-oncogene; plus strand). Cytogenetic location: 1p36.33.
Variant type: single nucleotide variant.
Coding change: c.-42G>A on transcript NM_003036.4 (MANE Select); 42 bases upstream of the start codon, G replaced by A.
Molecular consequence: 5 prime UTR variant.
Genome position (GRCh38, 1-based): chr1:2,228,725, G>A. VCF-style: chr1-2228725-G-A. GRCh37 (hg19) VCF-style: chr1-2160164-G-A.
Identifiers: ClinVar variation 392772 (VCV000392772.1), dbSNP rs1057524624, ClinGen allele CA16603543.